The following is an entry in ClinVar:

ClinVar aggregate classification (germline): Conflicting classifications of pathogenicity. Review status: criteria provided, conflicting classifications (1 of 4 stars). 2 submissions from 2 submitters: Pathogenic (1); Uncertain significance (1). Last evaluated 2026-01-16.

Conditions:
Hereditary cancer-predisposing syndrome. Also called: Tumor predisposition; Hereditary Cancer Syndrome; Hereditary neoplastic syndrome; Neoplastic Syndromes, Hereditary. Identifiers: Orphanet 140162, MedGen C0027672, MeSH D009386, MONDO:0015356.

Submissions (2):

Ambry Genetics
Classification: Uncertain significance for Hereditary cancer-predisposing syndrome. Last evaluated: 2026-01-16. Review status: criteria provided, single submitter. Criteria: Ambry Variant Classification Scheme 2023. Collection method: clinical testing. Allele origin: germline.
Comment: The c.681_685dupCTACC variant, located in coding exon 7 of the POLE gene, results from a duplication of CTACC at nucleotide position 681, causing a translational frameshift with a predicted alternate stop codon (p.H229Pfs*10). This alteration is expected to result in loss of function by premature protein truncation or nonsense-mediated mRNA decay. Although biallelic loss of function of POLE has been associated with autosomal recessive POLE deficiency, haploinsufficiency of POLE has not been established as a mechanism of disease for POLE-related polymerase proofreading-associated polyposis (PPAP) and POLE-related CMMRD-like syndrome. Based on the supporting evidence, this variant is expected to be causative of POLE deficiency when present along with a second pathogenic variant on the other allele; however, its clinical significance for PPAP and POLE-related CMMRD-like syndrome is unclear.

Labcorp Genetics (formerly Invitae), Labcorp
Classification: Pathogenic. Last evaluated: 2022-05-23. Review status: criteria provided, single submitter. Criteria: Invitae Variant Classification Sherloc (09022015). Collection method: clinical testing. Allele origin: germline.
Comment: This variant has not been reported in the literature in individuals affected with POLE-related conditions. This variant is not present in population databases (gnomAD no frequency). This sequence change creates a premature translational stop signal (p.His229Profs*10) in the POLE gene. It is expected to result in an absent or disrupted protein product. Loss-of-function variants in POLE are known to be pathogenic (PMID: 23230001, 25948378, 30503519). Algorithms developed to predict the effect of sequence changes on RNA splicing suggest that this variant may create or strengthen a splice site. For these reasons, this variant has been classified as Pathogenic.

Literature cited by the submitters: PubMed 23230001 (cited by Labcorp Genetics (formerly Invitae), Labcorp); PubMed 25948378 (cited by Labcorp Genetics (formerly Invitae), Labcorp); PubMed 30503519 (cited by Labcorp Genetics (formerly Invitae), Labcorp).

NM_006231.4(POLE):c.681_685dup (p.His229fs)

Gene: POLE (DNA polymerase epsilon, catalytic subunit; minus strand). Cytogenetic location: 12q24.33.
Variant type: Duplication.
Coding change: c.681_685dup on transcript NM_006231.4 (MANE Select); coding-DNA positions 681 to 685, 5 bases duplicated (CTACC; older notation c.681_685dupCTACC).
Protein change: p.His229fs; shifts the reading frame from histidine 229.
Molecular consequence: frameshift variant.
Genome position (GRCh38, 1-based): chr12:132,677,613-132,677,617, GGTAG duplicated on the plus strand (CTACC on the coding strand, the reverse complement: POLE is on the minus strand); duplicating any 5 consecutive bases within chr12:132,677,613-132,677,619 gives the same sequence; the c. name uses the placement nearest the transcript's 3' end. VCF-style (leftmost placement, unchanged base first): chr12-132677612-T-TGGTAG. GRCh37 (hg19) VCF-style: chr12-133254198-T-TGGTAG.
Other names: short protein forms H229fs.
Identifiers: ClinVar variation 1755576 (VCV001755576.8), dbSNP rs2043084432, ClinGen allele CA2073003960.